The following is an entry in ClinVar:

NM_001853.4(COL9A3):c.1725C>T (p.Gly575=)

Gene: COL9A3 (collagen type IX alpha 3 chain; plus strand). Cytogenetic location: 20q13.33.
Variant type: single nucleotide variant.
Coding change: c.1725C>T on transcript NM_001853.4 (MANE Select); coding-DNA position 1725, C replaced by T.
Protein change: p.Gly575=; no amino-acid change (glycine 575 retained).
Molecular consequence: synonymous variant.
Genome position (GRCh38, 1-based): chr20:62,837,204, C>T. VCF-style: chr20-62837204-C-T. GRCh37 (hg19) VCF-style: chr20-61468556-C-T.
Identifiers: ClinVar variation 764354 (VCV000764354.11), dbSNP rs201981366, ClinGen allele CA9950167.
Genomic context (GRCh38, chr20:62,837,204, plus strand): 5'-GCCCGGTCCAGCTGGCCCCCCTGGGCCCCCAGGACCCCCAGGCTCCATTGGTCACCCTGG[C>T]GCTCGAGGACCCCCTGGATACCGCGGTCCCACTGGGGAGCTGGGAGACCCCGGGCCCAGA-3'
Protein context (NP_001844.3, residues 565-585): PGPPGSIGHP[Gly575=]ARGPPGYRGP

ClinVar aggregate classification (germline): Likely benign. Review status: criteria provided, multiple submitters, no conflicts (2 of 4 stars). 3 submissions from 3 submitters: Likely benign (3). Last evaluated 2026-06-14.

Conditions:
COL9A3-related disorder. Also called: COL9A3-related condition.

Allele frequency attached by ClinVar (database versions not stated): TOPMed 0.00006; gnomAD 0.00007 and 0.00009; gnomAD exomes 0.00010 and 0.00013; ExAC 0.00015; 1000 Genomes Project 0.00020; 1000 Genomes Project 30x 0.00031.
gnomAD v4.1: 157 of 1,612,350 alleles (0.0097%); highest among the groups gnomAD compares: Admixed American, 0.028%; no homozygotes.

Submissions (3):

PreventionGenetics, part of Exact Sciences
Classification: Likely benign for COL9A3-related condition. Last evaluated: 2026-06-14. Review status: criteria provided, single submitter. Criteria: ACMG Guidelines, 2015. Collection method: clinical testing. Allele origin: germline.
Comment: This variant is classified as likely benign based on ACMG/AMP sequence variant interpretation guidelines (Richards et al. 2015 PMID: 25741868, with internal and published modifications).

Labcorp Genetics (formerly Invitae), Labcorp
Classification: Likely benign. Last evaluated: 2025-12-08. Review status: criteria provided, single submitter. Criteria: Invitae Variant Classification Sherloc (09022015). Collection method: clinical testing. Allele origin: germline.

Blueprint Genetics
Classification: Likely benign. Last evaluated: 2024-10-03. Review status: criteria provided, single submitter. Criteria: ACMG Guidelines, 2015. Collection method: clinical testing. Allele origin: germline.